The following is an entry in ClinVar:

NM_002890.3(RASA1):c.1333G>A (p.Asp445Asn)

Genes: CCNH (cyclin H; minus strand), RASA1 (RAS p21 protein activator 1; plus strand). Cytogenetic location: 5q14.3.
Variant type: single nucleotide variant.
Coding change: c.1333G>A on transcript NM_002890.3 (MANE Select); coding-DNA position 1333, G replaced by A.
Protein change: p.Asp445Asn; replaces aspartic acid 445 with asparagine.
Molecular consequence: missense variant. On other transcripts: intron variant (1).
Genome position (GRCh38, 1-based): chr5:87,362,551, G>A. VCF-style: chr5-87362551-G-A. GRCh37 (hg19) VCF-style: chr5-86658368-G-A.
Other names: c.802G>A, p.Asp268Asn (NM_022650.3); c.933+32493C>T (NM_001364075.2); short protein forms D445N, D268N.
Identifiers: ClinVar variation 3312830 (VCV003312830.1).

ClinVar aggregate classification (germline): Uncertain significance (1 of 4 stars; one submission).

Conditions:
Cardiovascular phenotype. Identifiers: MedGen CN230736.

gnomAD v4.1: 1 of 1,588,998 alleles (0.000063%); highest among the groups gnomAD compares: Non-Finnish European, 0.000086%; no homozygotes.

Submission:

Ambry Genetics
Classification: Uncertain significance for Cardiovascular phenotype. Last evaluated: 2024-05-12. Review status: criteria provided, single submitter. Criteria: Ambry Variant Classification Scheme 2023. Collection method: clinical testing. Allele origin: germline.
Comment: The p.D445N variant (also known as c.1333G>A) is located in coding exon 10 of the RASA1 gene. The aspartic acid at codon 445 is replaced by asparagine, an amino acid with highly similar properties. This change occurs in the first base pair of coding exon 10. This amino acid position is conserved. In addition, this alteration is predicted to be tolerated by in silico analysis. Based on the available evidence, the clinical significance of this variant remains unclear.